The following is an entry in ClinVar:

NM_002439.5(MSH3):c.3129A>G (p.Pro1043=)

Gene: MSH3 (mutS homolog 3; plus strand). Cytogenetic location: 5q14.1.
Variant type: single nucleotide variant.
Coding change: c.3129A>G on transcript NM_002439.5 (MANE Select); coding-DNA position 3129, A replaced by G.
Protein change: p.Pro1043=; no amino-acid change (proline 1043 retained).
Molecular consequence: synonymous variant.
Genome position (GRCh38, 1-based): chr5:80,864,941, A>G. VCF-style: chr5-80864941-A-G. GRCh37 (hg19) VCF-style: chr5-80160760-A-G.
Other names: c.3129A>G (NM_002439.3).
Identifiers: ClinVar variation 3649750 (VCV003649750.3).

ClinVar aggregate classification (germline): Uncertain significance. Review status: criteria provided, multiple submitters, no conflicts (2 of 4 stars). 2 submissions from 2 submitters: Uncertain significance (2). Last evaluated 2025-05-13.

Conditions:
Hereditary cancer-predisposing syndrome. Also called: Neoplastic Syndromes, Hereditary; Tumor predisposition; Hereditary neoplastic syndrome; Hereditary Cancer Syndrome. Identifiers: Orphanet 140162, MedGen C0027672, MeSH D009386, MONDO:0015356.

Submissions (2):

Ambry Genetics
Classification: Uncertain significance for Hereditary cancer-predisposing syndrome. Last evaluated: 2025-05-13. Review status: criteria provided, single submitter. Criteria: Ambry Variant Classification Scheme 2023. Collection method: clinical testing. Allele origin: germline.
Comment: The c.3129A>G variant (also known as p.P1043P), located in coding exon 22 of the MSH3 gene, results from an A to G substitution at nucleotide position 3129. This nucleotide substitution does not change the amino acid at codon 1043. This nucleotide position is well conserved in available vertebrate species. In silico splice site analysis predicts that this alteration may weaken the native splice donor site. Based on the available evidence, the clinical significance of this variant remains unclear.

Labcorp Genetics (formerly Invitae), Labcorp
Classification: Uncertain significance. Last evaluated: 2024-04-13. Review status: criteria provided, single submitter. Criteria: Invitae Variant Classification Sherloc (09022015). Collection method: clinical testing. Allele origin: germline.
Comment: This sequence change affects codon 1043 of the MSH3 mRNA. It is a 'silent' change, meaning that it does not change the encoded amino acid sequence of the MSH3 protein. It affects a nucleotide within the consensus splice site. This variant is not present in population databases (gnomAD no frequency). This variant has not been reported in the literature in individuals affected with MSH3-related conditions. Algorithms developed to predict the effect of sequence changes on RNA splicing suggest that this variant is not likely to affect RNA splicing. In summary, the available evidence is currently insufficient to determine the role of this variant in disease. Therefore, it has been classified as a Variant of Uncertain Significance.